The following is an entry in ClinVar:

NM_006231.4(POLE):c.274A>C (p.Ser92Arg)

Gene: POLE (DNA polymerase epsilon, catalytic subunit; minus strand). Cytogenetic location: 12q24.33.
Variant type: single nucleotide variant.
Coding change: c.274A>C on transcript NM_006231.4 (MANE Select); coding-DNA position 274, A replaced by C.
Protein change: p.Ser92Arg; replaces serine 92 with arginine.
Molecular consequence: missense variant.
Genome position (GRCh38, 1-based): chr12:132,680,618, T>G on the plus strand (A>C on the coding strand, the complement: POLE is on the minus strand). VCF-style: chr12-132680618-T-G. GRCh37 (hg19) VCF-style: chr12-133257204-T-G.
Other names: short protein forms S92R.
Identifiers: ClinVar variation 240443 (VCV000240443.32), dbSNP rs758382516, ClinGen allele CA6894396.

ClinVar aggregate classification (germline): Uncertain significance. Review status: criteria provided, multiple submitters, no conflicts (2 of 4 stars). 11 submissions from 11 submitters: Uncertain significance (10). 1 of the submissions does not count toward it. Last evaluated 2026-02-18.

Conditions:
Colorectal cancer, susceptibility to, 12 (CRCS12). Also called: COLORECTAL CANCER, SUSCEPTIBILITY TO, ON CHROMOSOME 12q24. Identifiers: Orphanet 220460, MedGen C3554460, MONDO:0014038, OMIM 615083.
Familial colorectal cancer type X. Identifiers: Orphanet 440437, MedGen C3896578, MONDO:0018604.
Polymerase proofreading-related adenomatous polyposis. Also called: Polymerase proofreading associated polyposis; Polymerase proofreading–associated polyposis (PPAP). Identifiers: Orphanet 447877, MedGen C5202613, MONDO:0018653.
POLE-related disorder. Also called: POLE-related disorders; POLE-related condition.
Hereditary cancer-predisposing syndrome. Also called: Tumor predisposition; Neoplastic Syndromes, Hereditary; Hereditary Cancer Syndrome; Hereditary neoplastic syndrome. Identifiers: Orphanet 140162, MedGen C0027672, MeSH D009386, MONDO:0015356.
Facial dysmorphism-immunodeficiency-livedo-short stature syndrome. Also called: Facial dysmorphism, immunodeficiency, livedo, and short stature; FILS syndrome. Identifiers: Orphanet 352712, MedGen C3554576, MONDO:0014058, OMIM 615139.

Allele frequency attached by ClinVar (database versions not stated): gnomAD 0.00003; gnomAD exomes 0.00004 and 0.00007; TOPMed 0.00004; ExAC 0.00007.

Submissions (11):

Biotechnology, Institute of Science, Nirma University
Classification: Uncertain significance for Colorectal cancer, susceptibility to, 12. Last evaluated: 2026-02-18. Review status: criteria provided, single submitter. Criteria: ACMG Guidelines, 2015. Collection method: research. Allele origin: germline. Affected: yes. Observed: 1 heterozygote. Segregation with disease not observed.
Comment: This missense variant is present in exon 3 of the POLE gene, that leads to an amino acid substitution from Serine to Arginine at codon 92. The population frequency of the variant is 0.004% in gnomAD. The in-silico predictions are shown to be possibly damaging. Considering all these conditions, the variant has been classified as that of uncertain significance.

Labcorp Genetics (formerly Invitae), Labcorp
Classification: Uncertain significance. Last evaluated: 2025-11-24. Review status: criteria provided, single submitter. Criteria: Invitae Variant Classification Sherloc (09022015). Collection method: clinical testing. Allele origin: germline.
Comment: This sequence change replaces serine, which is neutral and polar, with arginine, which is basic and polar, at codon 92 of the POLE protein (p.Ser92Arg). This variant is present in population databases (rs758382516, gnomAD 0.03%). This missense change has been observed in individual(s) with colorectal cancer (PMID: 29987844). ClinVar contains an entry for this variant (Variation ID: 240443). Invitae Evidence Modeling of protein sequence and biophysical properties (such as structural, functional, and spatial information, amino acid conservation, physicochemical variation, residue mobility, and thermodynamic stability) indicates that this missense variant is not expected to disrupt POLE protein function with a negative predictive value of 80%. In summary, the available evidence is currently insufficient to determine the role of this variant in disease. Therefore, it has been classified as a Variant of Uncertain Significance.

Ambry Genetics
Classification: Uncertain significance for Hereditary cancer-predisposing syndrome. Last evaluated: 2024-12-13. Review status: criteria provided, single submitter. Criteria: Ambry Variant Classification Scheme 2023. Collection method: clinical testing. Allele origin: germline.
Comment: The p.S92R variant (also known as c.274A>C), located in coding exon 3 of the POLE gene, results from an A to C substitution at nucleotide position 274. The serine at codon 92 is replaced by arginine, an amino acid with dissimilar properties. This amino acid position is well conserved in available vertebrate species. In addition, the in silico prediction for this alteration is inconclusive. Based on the available evidence, the clinical significance of this variant remains unclear.

GeneDx
Classification: Uncertain significance. Last evaluated: 2024-11-14. Review status: criteria provided, single submitter. Criteria: GeneDx Variant Classification Process June 2021. Collection method: clinical testing. Allele origin: germline. Affected: yes.
Comment: Observed in an individual with colorectal cancer (PMID: 29987844); In silico analysis supports that this missense variant has a deleterious effect on protein structure/function; This variant is associated with the following publications: (PMID: 29987844)

Department of Pathology and Laboratory Medicine, Sinai Health System
Classification: Uncertain significance for Polymerase proofreading-related adenomatous polyposis; Familial colorectal cancer type X. Last evaluated: 2023-09-27. Review status: criteria provided, single submitter. Criteria: ACMG Guidelines, 2015. Collection method: clinical testing. Allele origin: germline. Affected: yes.

Revvity Omics, Revvity
Classification: Uncertain significance. Last evaluated: 2022-07-01. Review status: criteria provided, single submitter. Criteria: ACMG Guidelines, 2015. Collection method: clinical testing. Allele origin: germline.

ARUP Laboratories, Molecular Genetics and Genomics, ARUP Laboratories
Classification: Uncertain significance. Last evaluated: 2022-01-04. Review status: criteria provided, single submitter. Criteria: ARUP Molecular Germline Variant Investigation Process 2021. Collection method: clinical testing. Allele origin: germline.
Comment: The POLE c.274A>C; p.Ser92Arg variant (rs758382516) is reported in the literature in an individual affected with colon cancer (Kayser 2018). This variant is also reported in ClinVar (Variation ID: 240443) and is found in the general population with an allele frequency of 0.0071% (20/282,850 alleles) in the Genome Aggregation Database. The serine at codon 92 is moderately conserved and computational analyses are uncertain whether this variant is neutral or deleterious (REVEL: 0.326). This variant is not located in the exonuclease domain (Palles 2013), and gene-disease association has not been established for variants outside of the exonuclease domain (Seifert 2019). Due to limited information, the clinical significance of the p.Ser92Arg variant is uncertain at this time.

Fulgent Genetics
Classification: Uncertain significance for Colorectal cancer, susceptibility to, 12; Facial dysmorphism-immunodeficiency-livedo-short stature syndrome. Last evaluated: 2018-10-31. Review status: criteria provided, single submitter. Criteria: ACMG Guidelines, 2015. Collection method: clinical testing. Allele origin: unknown.

Breakthrough Genomics
Classification: Uncertain significance. Review status: criteria provided, single submitter. Criteria: ACMG Guidelines, 2015. Collection method: not provided. Allele origin: germline. Inheritance: Autosomal recessive inheritance. Affected: yes.

Neuberg Centre For Genomic Medicine, NCGM
Classification: Uncertain significance for Colorectal cancer, susceptibility to, 12. Review status: criteria provided, single submitter. Criteria: ACMG Guidelines, 2015. Collection method: clinical testing. Allele origin: germline. Inheritance: Autosomal dominant inheritance. Affected: yes.
Comment: The missense c.274A>C p.Ser92Arg variant in the POLE gene has been observed in individuals with colorectal cancer Kayser 2018. This variant is reported with the allele frequency 0.007% in the gnomAD Exomes and novel in 1000 Genomes. This variant has been reported to the ClinVar database as Uncertain Significance. The amino acid Serine at position 92 is changed to a Arginine changing protein sequence and it might alter its composition and physico-chemical properties. The amino acid change p.Ser92Arg in POLE is predicted as conserved by GERP++ and PhyloP across 100 vertebrates. For these reasons, this variant has been classified as Uncertain Significance.

PreventionGenetics, part of Exact Sciences
Classification: Uncertain significance for POLE-related condition. Last evaluated: 2024-01-04. Review status: no assertion criteria provided. Collection method: clinical testing. Allele origin: germline. Not counted in ClinVar's aggregate classification.
Comment: The POLE c.274A>C variant is predicted to result in the amino acid substitution p.Ser92Arg. This variant has been reported in an individual with suspected Lynch syndrome (Table 2, Kayser et al. 2018. PubMed ID: 29987844). No further information regarding segregation studies available that would help determine the pathogenicity of this variant. This variant is reported in 0.033% of alleles in individuals of South Asian descent in gnomAD. It is interpreted as a variant of uncertain significance in ClinVar. At this time, the clinical significance of this variant is uncertain due to the absence of conclusive functional and genetic evidence.

Literature cited by the submitters: PubMed 29987844 (cited by Labcorp Genetics (formerly Invitae), Labcorp and Department of Pathology and Laboratory Medicine, Sinai Health System).